The following is an entry in ClinVar:

ClinVar aggregate classification (germline): Uncertain significance (1 of 4 stars; one submission).

Conditions:
Tuberous sclerosis 1 (TSC1). Identifiers: Orphanet 805, MedGen C1854465, MONDO:0008612, OMIM 191100.

Submission:

Labcorp Genetics (formerly Invitae), Labcorp
Classification: Uncertain significance for Tuberous sclerosis 1. Last evaluated: 2024-05-28. Review status: criteria provided, single submitter. Criteria: Invitae Variant Classification Sherloc (09022015). Collection method: clinical testing. Allele origin: germline.
Comment: This sequence change replaces glycine, which is neutral and non-polar, with alanine, which is neutral and non-polar, at codon 81 of the TSC1 protein (p.Gly81Ala). This variant is not present in population databases (gnomAD no frequency). This variant has not been reported in the literature in individuals affected with TSC1-related conditions. Advanced modeling of protein sequence and biophysical properties (such as structural, functional, and spatial information, amino acid conservation, physicochemical variation, residue mobility, and thermodynamic stability) performed at Invitae indicates that this missense variant is not expected to disrupt TSC1 protein function with a negative predictive value of 95%. In summary, the available evidence is currently insufficient to determine the role of this variant in disease. Therefore, it has been classified as a Variant of Uncertain Significance.

NM_000368.5(TSC1):c.242G>C (p.Gly81Ala)

Gene: TSC1 (TSC complex subunit 1; minus strand). Cytogenetic location: 9q34.13.
Variant type: single nucleotide variant.
Coding change: c.242G>C on transcript NM_000368.5 (MANE Select); coding-DNA position 242, G replaced by C.
Protein change: p.Gly81Ala; replaces glycine 81 with alanine.
Molecular consequence: missense variant. On other transcripts: 5 prime UTR variant (18), non-coding transcript variant (5), intron variant (5).
Genome position (GRCh38, 1-based): chr9:132,925,708, C>G on the plus strand (G>C on the coding strand, the complement: TSC1 is on the minus strand). VCF-style: chr9-132925708-C-G. GRCh37 (hg19) VCF-style: chr9-135801095-C-G.
Other names: c.242G>C, p.Gly81Ala (NM_001406595.1, NM_001406596.1, NM_001406597.1 and 16 more transcripts); c.-214G>C (NM_001406614.1, NM_001406616.1, NM_001406624.1); c.-247G>C (NM_001406615.1, NM_001406623.1); c.-122G>C (NM_001406617.1, NM_001406618.1, NM_001406619.1 and 5 more transcripts); c.-636G>C (NM_001406626.1, NM_001406627.1, NM_001406628.1); c.-778G>C (NM_001406629.1); c.-852G>C (NM_001406630.1); c.210+1493G>C (NM_001406613.1, NM_001406612.1, NM_001406610.1 and 2 more transcripts); short protein forms G81A.
Identifiers: ClinVar variation 3654850 (VCV003654850.2).